The following is an entry in ClinVar:

ClinVar aggregate classification (germline): Uncertain significance (1 of 4 stars; one submission).

Conditions:
IKZF1-related disorder. Also called: IKZF1-related condition.

gnomAD v4.1: 3 of 1,613,806 alleles (0.00019%); highest among the groups gnomAD compares: Non-Finnish European, 0.00025%; no homozygotes.

Submission:

PreventionGenetics, part of Exact Sciences
Classification: Uncertain significance for IKZF1-related condition. Last evaluated: 2025-10-07. Review status: criteria provided, single submitter. Criteria: ACMG Guidelines, 2015. Collection method: clinical testing. Allele origin: germline.
Comment: The IKZF1 c.818A>G variant is predicted to result in the amino acid substitution p.Lys273Arg. To our knowledge, this variant has not been reported in the literature or in a large population database (gnomAD), indicating this variant is rare. At this time, the clinical significance of this variant is uncertain due to the absence of conclusive functional and genetic evidence.

NM_006060.6(IKZF1):c.818A>G (p.Lys273Arg)

Gene: IKZF1 (IKAROS family zinc finger 1; plus strand). Cytogenetic location: 7p12.2.
Variant type: single nucleotide variant.
Coding change: c.818A>G on transcript NM_006060.6 (MANE Select); coding-DNA position 818, A replaced by G.
Protein change: p.Lys273Arg; replaces lysine 273 with arginine.
Molecular consequence: missense variant. On other transcripts: intron variant (3).
Genome position (GRCh38, 1-based): chr7:50,391,831, A>G. VCF-style: chr7-50391831-A-G. GRCh37 (hg19) VCF-style: chr7-50459529-A-G.
Other names: c.692A>G, p.Lys231Arg (NM_001220765.3, NM_001291837.2); c.557A>G, p.Lys186Arg (NM_001220767.2, NM_001291838.2); c.431A>G, p.Lys144Arg (NM_001220770.2, NM_001291839.2); c.389A>G, p.Lys130Arg (NM_001291841.1, NM_001291842.1); c.263A>G, p.Lys88Arg (NM_001291843.1, NM_001291844.1); c.878A>G, p.Lys293Arg (NM_001410879.1); c.590-8087A>G (NM_001220768.2); c.422-8087A>G (NM_001220771.2); and 1 more; short protein forms K231R, K273R, K88R, K130R, K186R, K293R, K144R.
Identifiers: ClinVar variation 4986715 (VCV004986715.1).